The following is an entry in ClinVar:

NM_181672.3(OGT):c.631A>G (p.Ile211Val)

Gene: OGT (O-linked N-acetylglucosamine (GlcNAc) transferase; plus strand). Cytogenetic location: Xq13.1.
Variant type: single nucleotide variant.
Coding change: c.631A>G on transcript NM_181672.3 (MANE Select); coding-DNA position 631, A replaced by G.
Protein change: p.Ile211Val; replaces isoleucine 211 with valine.
Molecular consequence: missense variant.
Genome position (GRCh38, 1-based): chrX:71,548,006, A>G. VCF-style: chrX-71548006-A-G. GRCh37 (hg19) VCF-style: chrX-70767856-A-G.
Other names: c.601A>G, p.Ile201Val (NM_181673.3); short protein forms I201V, I211V.
Identifiers: ClinVar variation 3391790 (VCV003391790.2).
Genomic context (GRCh38, chrX:71,548,006, plus strand): 5'-GCAGTAGCTTGGAGTAATCTTGGCTGTGTTTTCAATGCACAAGGGGAAATTTGGCTTGCA[A>G]TTCATCACTTTGAAAAGGTTAGTCATTAAATTAATAATTGGTATTTTTGAAGTGCTTACG-3'
Protein context (NP_858058.1, residues 201-221): FNAQGEIWLA[Ile211Val]HHFEKAVTLD

ClinVar aggregate classification (germline): Uncertain significance. Review status: criteria provided, multiple submitters, no conflicts (2 of 4 stars). 2 submissions from 2 submitters: Uncertain significance (2). Last evaluated 2026-01-05.

Conditions:
Intellectual developmental disorder, X-linked 106. Also called: Mental retardation, X-linked 106; Intellectual disability, X-linked 106. Identifiers: MedGen C4478379, MONDO:0030907, OMIM 300997.

gnomAD v4.1: 2 of 1,209,968 alleles (0.00017%); highest among the groups gnomAD compares: Non-Finnish European, 0.00022%; no homozygotes.

Submissions (2):

Laboratorio de Genetica e Diagnostico Molecular, Hospital Israelita Albert Einstein
Classification: Uncertain significance for Intellectual developmental disorder, X-linked 106. Last evaluated: 2026-01-05. Review status: criteria provided, single submitter. Criteria: ACMG Guidelines, 2015. Collection method: clinical testing. Allele origin: germline. Affected: yes.
Comment: ACMG classification criteria: PM2 supporting, BP4 supporting

GeneDx
Classification: Uncertain significance. Last evaluated: 2024-06-21. Review status: criteria provided, single submitter. Criteria: GeneDx Variant Classification Process June 2021. Collection method: clinical testing. Allele origin: germline. Affected: yes.
Comment: Not observed at significant frequency in large population cohorts (gnomAD); In silico analysis indicates that this missense variant does not alter protein structure/function; Has not been previously published as pathogenic or benign to our knowledge